The following is an entry in ClinVar:

NM_001270974.2(HYDIN):c.12200ACA[1] (p.Asn4068del)

Gene: HYDIN (HYDIN axonemal central pair apparatus protein; minus strand). Cytogenetic location: 16q22.2.
Variant type: Microsatellite.
Coding change: c.12200ACA[1] on transcript NM_001270974.2 (MANE Select); one copy of the 3-base unit ACA starting at c.12200; the reference has two copies in a row; one copy, 3 bases deleted; also written c.12203_12205del.
Protein change: p.Asn4068del; deletes asparagine 4068.
Molecular consequence: inframe deletion.
Genome position (GRCh38, 1-based): chr16:70,857,795-70,857,797, TGT deleted on the plus strand (ACA on the coding strand, the reverse complement: HYDIN is on the minus strand); deleting any 3 consecutive bases within chr16:70,857,795-70,857,800 gives the same sequence; the position shown is the placement nearest the transcript's 3' end. VCF-style (leftmost placement, unchanged base first): chr16-70857794-ATGT-A. GRCh37 (hg19) VCF-style: chr16-70891697-ATGT-A.
Other names: c.12203_12205del (NM_001270974.2); short protein forms N4068del.
Identifiers: ClinVar variation 5005630 (VCV005005630.2).
Genomic context (GRCh38, chr16:70,857,794, plus strand): 5'-GACTTGTTCAGAGAGATGAGAGGTTCGGTAGTTTTGCCTACCAGCAGGAAAGGGACTGTG[ATGT>A]TGTGCTCGGGAATTAGGAAGGTCCATGATGACTCAGTGATGCCCAGATGGAAAGGTGTGA-3'

ClinVar aggregate classification (germline): Uncertain significance (1 of 4 stars; one submission).

Conditions:
Primary ciliary dyskinesia 5. Also called: CILIARY DYSKINESIA, PRIMARY, 5, WITHOUT SITUS INVERSUS. Identifiers: Orphanet 244, MedGen C1837615, MONDO:0012088, OMIM 608647.

Submission:

Juno Genomics, Hangzhou Juno Genomics, Inc
Classification: Uncertain significance for Primary ciliary dyskinesia 5. Review status: criteria provided, single submitter. Criteria: ACMG Guidelines, 2015. Collection method: clinical testing. Allele origin: germline.
Comment: Absent from controls (or at extremely low frequency if recessive) in Genome Aggregation Database.;Protein length changes due to in-frame deletions/insertions in a non-repeat region or stop-loss variants.